The following is an entry in ClinVar:

ClinVar aggregate classification (germline): Uncertain significance (1 of 4 stars; one submission).

Conditions:
Autosomal dominant polycystic kidney disease. Identifiers: Orphanet 730, MedGen C0085413, MONDO:0004691.

Allele frequency attached by ClinVar (database versions not stated): gnomAD exomes below 0.00001.
gnomAD v4.1: 1 of 1,613,446 alleles (0.000062%); highest among the groups gnomAD compares: African/African-American, 0.0013%; no homozygotes.

Submission:

Labcorp Genetics (formerly Invitae), Labcorp
Classification: Uncertain significance for Autosomal dominant polycystic kidney disease. Last evaluated: 2022-10-17. Review status: criteria provided, single submitter. Criteria: Invitae Variant Classification Sherloc (09022015). Collection method: clinical testing. Allele origin: germline.
Comment: This sequence change replaces histidine, which is basic and polar, with arginine, which is basic and polar, at codon 379 of the PKD2 protein (p.His379Arg). This variant is not present in population databases (gnomAD no frequency). This variant has not been reported in the literature in individuals affected with PKD2-related conditions. Algorithms developed to predict the effect of missense changes on protein structure and function (SIFT, PolyPhen-2, Align-GVGD) all suggest that this variant is likely to be tolerated. In summary, the available evidence is currently insufficient to determine the role of this variant in disease. Therefore, it has been classified as a Variant of Uncertain Significance.

NM_000297.4(PKD2):c.1136A>G (p.His379Arg)

Gene: PKD2 (polycystin 2, transient receptor potential cation channel; plus strand). Cytogenetic location: 4q22.1.
Variant type: single nucleotide variant.
Coding change: c.1136A>G on transcript NM_000297.4 (MANE Select); coding-DNA position 1136, A replaced by G.
Protein change: p.His379Arg; replaces histidine 379 with arginine.
Molecular consequence: missense variant. On other transcripts: non-coding transcript variant (1).
Genome position (GRCh38, 1-based): chr4:88,043,274, A>G. VCF-style: chr4-88043274-A-G. GRCh37 (hg19) VCF-style: chr4-88964426-A-G.
Other names: short protein forms H379R.
Identifiers: ClinVar variation 2098492 (VCV002098492.4), dbSNP rs2475915512, ClinGen allele CA357615480.